The following is an entry in ClinVar:

ClinVar aggregate classification (germline): Uncertain significance. Review status: criteria provided, multiple submitters, no conflicts (2 of 4 stars). 3 submissions from 3 submitters: Uncertain significance (3). Last evaluated 2024-03-18.

Conditions:
Inborn genetic diseases. Identifiers: MedGen C0950123, MeSH D030342.

Allele frequency attached by ClinVar (database versions not stated): gnomAD 0.00001; gnomAD exomes 0.00001; TOPMed 0.00001; ExAC 0.00008; 1000 Genomes Project 0.00020; 1000 Genomes Project 30x 0.00031.
gnomAD v4.1: 19 of 1,599,614 alleles (0.0012%); highest among the groups gnomAD compares: East Asian, 0.0045%; no homozygotes.

Submissions (3):

Ambry Genetics
Classification: Uncertain significance for Inborn genetic diseases. Last evaluated: 2024-03-18. Review status: criteria provided, single submitter. Criteria: Ambry Variant Classification Scheme 2023. Collection method: clinical testing. Allele origin: germline.

GeneDx
Classification: Uncertain significance. Last evaluated: 2022-08-08. Review status: criteria provided, single submitter. Criteria: GeneDx Variant Classification Process June 2021. Collection method: clinical testing. Allele origin: germline. Affected: yes.
Comment: In silico analysis supports that this missense variant has a deleterious effect on protein structure/function; Has not been previously published as pathogenic or benign to our knowledge

Labcorp Genetics (formerly Invitae), Labcorp
Classification: Uncertain significance. Last evaluated: 2022-07-25. Review status: criteria provided, single submitter. Criteria: Invitae Variant Classification Sherloc (09022015). Collection method: clinical testing. Allele origin: germline.
Comment: This sequence change replaces glycine, which is neutral and non-polar, with arginine, which is basic and polar, at codon 90 of the ADGRV1 protein (p.Gly90Arg). The frequency data for this variant in the population databases is considered unreliable, as metrics indicate poor data quality at this position in the gnomAD database. This variant has not been reported in the literature in individuals affected with ADGRV1-related conditions. ClinVar contains an entry for this variant (Variation ID: 965477). Algorithms developed to predict the effect of missense changes on protein structure and function are either unavailable or do not agree on the potential impact of this missense change (SIFT: "Tolerated"; PolyPhen-2: "Probably Damaging"; Align-GVGD: "Class C0"). Algorithms developed to predict the effect of sequence changes on RNA splicing suggest that this variant may create or strengthen a splice site. In summary, the available evidence is currently insufficient to determine the role of this variant in disease. Therefore, it has been classified as a Variant of Uncertain Significance.

NM_032119.4(ADGRV1):c.268G>A (p.Gly90Arg)

Gene: ADGRV1 (adhesion G protein-coupled receptor V1; plus strand). Cytogenetic location: 5q14.3.
Variant type: single nucleotide variant.
Coding change: c.268G>A on transcript NM_032119.4 (MANE Select); coding-DNA position 268, G replaced by A.
Protein change: p.Gly90Arg; replaces glycine 90 with arginine.
Molecular consequence: missense variant. On other transcripts: non-coding transcript variant (1).
Genome position (GRCh38, 1-based): chr5:90,617,864, G>A. VCF-style: chr5-90617864-G-A. GRCh37 (hg19) VCF-style: chr5-89913681-G-A.
Other names: short protein forms G90R.
Identifiers: ClinVar variation 965477 (VCV000965477.7), dbSNP rs533094348, ClinGen allele CA3338427.
Genomic context (GRCh38, chr5:90,617,864, plus strand): 5'-CTGTATGGAGAGGACGCTGGTGACTTTTTTGACACATATGCTGCAGCTTTTATACCTGCC[G>A]GAGAAACAAACAGAACAGTGTACATAGCAGTATGTGATGATGACTTACCAGAGCCTGACG-3'
Protein context (NP_115495.3, residues 80-100): DTYAAAFIPA[Gly90Arg]ETNRTVYIAV